The following is an entry in ClinVar:

ClinVar aggregate classification (germline): Pathogenic/Likely pathogenic. Review status: criteria provided, multiple submitters, no conflicts (2 of 4 stars). 5 submissions from 5 submitters: Pathogenic (1); Likely pathogenic (4). Last evaluated 2025-12-23.

Conditions:
Canavan Disease, Familial Form. Identifiers: MedGen C0751663.
Spongy degeneration of central nervous system. Also called: AMINOACYLASE 2 DEFICIENCY; ACY2 DEFICIENCY; ASP DEFICIENCY; ASPA DEFICIENCY; ASPARTOACYLASE DEFICIENCY; CANAVAN-VAN BOGAERT-BERTRAND DISEASE. Identifiers: Orphanet 141, MedGen C0206307, MONDO:0010079, OMIM 271900.

Submissions (5):

Women's Health and Genetics/Laboratory Corporation of America, LabCorp
Classification: Likely pathogenic for Canavan Disease, Familial Form. Last evaluated: 2025-12-23. Review status: criteria provided, single submitter. Criteria: LabCorp Variant Classification Summary - May 2015. Collection method: clinical testing. Allele origin: germline.
Comment: Variant summary: ASPA c.3G>A (p.Met1Ile) alters the initiation codon and is predicted to result either in absence of the protein or truncation of the encoded protein due to translation initiation at a downstream codon. The next downstream in-frame initiation codon is at codon 82. Missense variants upstream of this codon (c.79G>A/p.Gly27Arg, c.212G>A/p.Arg71His, c.203A>C/p.Asp68Ala, and c.89T>C/p.Leu30Pro), have been classified as likely pathogenic/pathogenic by our laboratory. The c.3G>A variant was absent in 251148 control chromosomes. To our knowledge, no occurrence of c.3G>A in individuals affected with ASPA-related conditions and no experimental evidence demonstrating its impact on protein function have been reported. ClinVar contains an entry for this variant (Variation ID: 2826210). Based on the evidence outlined above, the variant was classified as likely pathogenic.

Natera, Inc.
Classification: Likely pathogenic for Canavan Disease. Last evaluated: 2025-12-03. Review status: criteria provided, single submitter. Criteria: Natera Variant Classification Schema (03/2026). Collection method: clinical testing. Allele origin: germline.
Comment: The c.3G>A variant in ASPA is predicted to result in start loss due to disruption of the initiator methionine. This variant is expected to result in nonsense mediated decay, truncation, or a dysfunctional protein product. This variant is rare in the general population with a frequency below the threshold expected for the associated phenotype(s). Given the available evidence, this variant is classified as Likely Pathogenic.

Fulgent Genetics
Classification: Likely pathogenic for Spongy degeneration of central nervous system. Last evaluated: 2024-04-11. Review status: criteria provided, single submitter. Criteria: ACMG Guidelines, 2015. Collection method: clinical testing. Allele origin: germline.

Labcorp Genetics (formerly Invitae), Labcorp
Classification: Pathogenic for Spongy degeneration of central nervous system. Last evaluated: 2024-02-07. Review status: criteria provided, single submitter. Criteria: Invitae Variant Classification Sherloc (09022015). Collection method: clinical testing. Allele origin: germline.
Comment: This sequence change affects the initiator methionine of the ASPA mRNA. The next in-frame methionine is located at codon 82. This variant is not present in population databases (gnomAD no frequency). Disruption of the initiator codon has been observed in individual(s) with Canavan disease (PMID: 20129749). This variant disrupts a region of the ASPA protein in which other variant(s) (p.Ile16Thr) have been determined to be pathogenic (PMID: 8659549, 12638939). This suggests that this is a clinically significant region of the protein, and that variants that disrupt it are likely to be disease-causing. For these reasons, this variant has been classified as Pathogenic.

Neuberg Centre For Genomic Medicine, NCGM
Classification: Likely pathogenic for Spongy degeneration of central nervous system. Review status: criteria provided, single submitter. Criteria: ACMG Guidelines, 2015. Collection method: clinical testing. Allele origin: germline. Inheritance: Autosomal recessive inheritance. Affected: yes.
Comment: The observed start lost c.3G>A (p.Met1?) variant in ASPA gene has not been reported previously as a pathogenic variant nor as a benign variant, to our knowledge. Another missense variant on the same amino acid residue [c.2T>C, p.Met1Thr] of ASPA gene has been previously reported in an individual affected with Canavan disease (Zhang et al., 2010). This suggests that this residue is clinically significant, and that variant disrupting this residue is likely to be disease-causing. This variant is absent in gnomAD Exomes. This variant has not been submitted to the ClinVar database. Multiple lines of computational evidence (Polyphen - Probably Damaging, SIFT - Damaging and MutationTaster - Disease causing) predict a damaging effect on protein structure and function for this variant. The reference amino acid of p.Met1? in ASPA is predicted as conserved by GERP++ and PhyloP across 100 vertebrates. The p.Met1? variant is predicted to disrupt the initiation codon, and thus potentially may interfere with protein expression. However, additional functional studies will be required to prove the pathogenicity of this variant. For these reasons, this variant has been classified as Likely Pathogenic.

Literature cited by the submitters: PubMed 20129749 (cited by Labcorp Genetics (formerly Invitae), Labcorp); PubMed 8659549 (cited by Labcorp Genetics (formerly Invitae), Labcorp); PubMed 12638939 (cited by Labcorp Genetics (formerly Invitae), Labcorp).

NM_000049.4(ASPA):c.3G>A (p.Met1Ile)

Genes: ASPA (aspartoacylase; plus strand), SPATA22 (spermatogenesis associated 22; minus strand). Cytogenetic location: 17p13.2.
Variant type: single nucleotide variant.
Coding change: c.3G>A on transcript NM_000049.4 (MANE Select); coding-DNA position 3, G replaced by A.
Protein change: p.Met1Ile; changes the start codon (methionine 1).
Molecular consequence: missense variant, initiator codon variant. On other transcripts: intron variant (2).
Genome position (GRCh38, 1-based): chr17:3,476,162, G>A. VCF-style: chr17-3476162-G-A. GRCh37 (hg19) VCF-style: chr17-3379456-G-A.
Other names: c.3G>A, p.Met1Ile (NM_001128085.1); c.-73-6764C>T (NM_001321336.2, NM_001321337.2); c.3G>A (NM_000049.2); short protein forms M1I.
Identifiers: ClinVar variation 2826210 (VCV002826210.6), dbSNP rs1597422213, ClinGen allele CA397680997.
Genomic context (GRCh38, chr17:3,476,162, plus strand): 5'-GAATTTCCTTTGATCTCTCTTCTGAATTGCAGAAATCAGATAAAAACTACTTGGTGAAAT[G>A]ACTTCTTGTCACATTGCTGAAGAACATATACAAAAGGTTGCTATCTTTGGAGGAACCCAT-3'
Protein context (NP_000040.1, residues 1-11): [Met1Ile]TSCHIAEEHI